The following is an entry in ClinVar:

ClinVar aggregate classification (germline): Pathogenic. Review status: criteria provided, multiple submitters, no conflicts (2 of 4 stars). 3 submissions from 3 submitters: Pathogenic (2). 1 of the submissions does not count toward it. Last evaluated 2023-05-11.

Conditions:
Hereditary cancer-predisposing syndrome. Also called: Hereditary Cancer Syndrome; Hereditary neoplastic syndrome; Neoplastic Syndromes, Hereditary; Tumor predisposition. Identifiers: Orphanet 140162, MedGen C0027672, MeSH D009386, MONDO:0015356.
Familial adenomatous polyposis 1 (FAP1). Also called: FAMILIAL ADENOMATOUS POLYPOSIS 1, ATTENUATED; POLYPOSIS, ADENOMATOUS INTESTINAL. Identifiers: MedGen C2713442, MONDO:0021056, OMIM 175100. Disease mechanism: loss of function.

Submissions (3):

Myriad Genetics, Inc.
Classification: Pathogenic for Familial adenomatous polyposis 1. Last evaluated: 2023-05-11. Review status: criteria provided, single submitter. Criteria: Myriad Autosomal Dominant, Autosomal Recessive and X-Linked Classification Criteria (2023). Collection method: clinical testing. Allele origin: unknown.
Comment: This variant is considered pathogenic. This variant creates a termination codon and is predicted to result in premature protein truncation.

Ambry Genetics
Classification: Pathogenic for Hereditary cancer-predisposing syndrome. Last evaluated: 2022-07-18. Review status: criteria provided, single submitter. Criteria: Ambry Variant Classification Scheme 2023. Collection method: clinical testing. Allele origin: germline.
Comment: The p.S1545* pathogenic mutation (also known as c.4634C>G), located in coding exon 15 of the APC gene, results from a C to G substitution at nucleotide position 4634. This changes the amino acid from a serine to a stop codon within coding exon 15. This alteration was identified in at least two unrelated patients with a clinical presentation of FAP or AFAP (Friedl W et al. Hered Cancer Clin Pract. 2005 Sep;3:95-114; Moisio AL et al. Gut. 2002 Jun;50:845-50). In addition to the clinical data presented in the literature, this alteration is expected to result in loss of function by premature protein truncation or nonsense-mediated mRNA decay. As such, this alteration is interpreted as a disease-causing mutation.

Mayo Clinic Laboratories, Mayo Clinic
Classification: Likely pathogenic. Review status: no assertion criteria provided. Collection method: research. Allele origin: unknown. Observed: 1 variant allele. Not counted in ClinVar's aggregate classification.

Literature cited by the submitters: PubMed 12010888 (cited by Ambry Genetics); PubMed 20223039 (cited by Ambry Genetics).

NM_000038.6(APC):c.4634C>G (p.Ser1545Ter)

Gene: APC (APC regulator of Wnt signaling pathway; plus strand). Cytogenetic location: 5q22.2.
Variant type: single nucleotide variant.
Coding change: c.4634C>G on transcript NM_000038.6 (MANE Select); coding-DNA position 4634, C replaced by G.
Protein change: p.Ser1545Ter; replaces serine 1545 with a stop codon.
Molecular consequence: nonsense.
Genome position (GRCh38, 1-based): chr5:112,840,228, C>G. VCF-style: chr5-112840228-C-G. GRCh37 (hg19) VCF-style: chr5-112175925-C-G.
Other names: c.4634C>G, p.Ser1545Ter (NM_001127510.3, NM_001354895.2); c.4580C>G, p.Ser1527Ter (NM_001127511.3); c.4688C>G, p.Ser1563Ter (NM_001354896.2); c.4664C>G, p.Ser1555Ter (NM_001354897.2); c.4559C>G, p.Ser1520Ter (NM_001354898.2); c.4550C>G, p.Ser1517Ter (NM_001354899.2); c.4511C>G, p.Ser1504Ter (NM_001354900.2); c.4457C>G, p.Ser1486Ter (NM_001354901.2); and 5 more; short protein forms S1527*, S1545*, S1262*, S1385*, S1419*, S1486*, S1504*, S1454*.
Identifiers: ClinVar variation 217985 (VCV000217985.9), dbSNP rs863225356, ClinGen allele CA279684.